The following is an entry in ClinVar:

ClinVar aggregate classification (germline): Uncertain significance (1 of 4 stars; one submission).

Conditions:
POLD1-related polyposis and colorectal cancer syndrome (CRCS10). Also called: Colorectal cancer, susceptibility to, 10; Colorectal cancer 10; COLORECTAL CANCER, SUSCEPTIBILITY TO, ON CHROMOSOME 19q. Identifiers: Orphanet 220460, MedGen C2675481, MONDO:0012953, OMIM 612591.

Submission:

Labcorp Genetics (formerly Invitae), Labcorp
Classification: Uncertain significance for POLD1-related polyposis and colorectal cancer syndrome. Last evaluated: 2023-10-10. Review status: criteria provided, single submitter. Criteria: Invitae Variant Classification Sherloc (09022015). Collection method: clinical testing. Allele origin: germline.
Comment: This sequence change replaces leucine, which is neutral and non-polar, with proline, which is neutral and non-polar, at codon 686 of the POLD1 protein (p.Leu686Pro). This variant is not present in population databases (gnomAD no frequency). This variant has not been reported in the literature in individuals affected with POLD1-related conditions. ClinVar contains an entry for this variant (Variation ID: 1359358). Advanced modeling of protein sequence and biophysical properties (such as structural, functional, and spatial information, amino acid conservation, physicochemical variation, residue mobility, and thermodynamic stability) performed at Invitae indicates that this missense variant is expected to disrupt POLD1 protein function. In summary, the available evidence is currently insufficient to determine the role of this variant in disease. Therefore, it has been classified as a Variant of Uncertain Significance.

NM_002691.4(POLD1):c.2057T>C (p.Leu686Pro)

Gene: POLD1 (DNA polymerase delta 1, catalytic subunit; plus strand). Cytogenetic location: 19q13.33.
Variant type: single nucleotide variant.
Coding change: c.2057T>C on transcript NM_002691.4 (MANE Select); coding-DNA position 2057, T replaced by C.
Protein change: p.Leu686Pro; replaces leucine 686 with proline.
Molecular consequence: missense variant. On other transcripts: non-coding transcript variant (1).
Genome position (GRCh38, 1-based): chr19:50,409,569, T>C. VCF-style: chr19-50409569-T-C. GRCh37 (hg19) VCF-style: chr19-50912826-T-C.
Other names: c.2057T>C, p.Leu686Pro (NM_001256849.1); c.2135T>C, p.Leu712Pro (NM_001308632.1); short protein forms L712P, L686P.
Identifiers: ClinVar variation 1359358 (VCV001359358.8), dbSNP rs2122386439, ClinGen allele CA406982534.